The following is an entry in ClinVar:

NM_001035.3(RYR2):c.13137C>A (p.Ile4379=)

Genes: RYR2 (ryanodine receptor 2; plus strand), LOC126806068 (BRD4-independent group 4 enhancer GRCh37_chr1:237947411-237948610; plus strand). Cytogenetic location: 1q43.
Variant type: single nucleotide variant.
Coding change: c.13137C>A on transcript NM_001035.3 (MANE Select); coding-DNA position 13137, C replaced by A.
Protein change: p.Ile4379=; no amino-acid change (isoleucine 4379 retained).
Molecular consequence: synonymous variant.
Genome position (GRCh38, 1-based): chr1:237,784,849, C>A. VCF-style: chr1-237784849-C-A. GRCh37 (hg19) VCF-style: chr1-237948149-C-A.
Other names: p.Ile4379=.
Identifiers: ClinVar variation 43723 (VCV000043723.37), dbSNP rs369917806, ClinGen allele CA007810.

ClinVar aggregate classification (germline): Conflicting classifications of pathogenicity. Review status: criteria provided, conflicting classifications (1 of 4 stars). 13 submissions from 12 submitters: Uncertain significance (1); Likely benign (10). 2 of the submissions do not count toward it. Last evaluated 2026-01-14.

Conditions:
Cardiovascular phenotype. Identifiers: MedGen CN230736.
Cardiomyopathy (CMYO). Also called: Cardiomyopathies. Identifiers: Orphanet 167848, MedGen C0878544, MONDO:0004994, HP:0001638. Inheritance: Various modes of inheritance.
Catecholaminergic polymorphic ventricular tachycardia 1. Also called: VENTRICULAR TACHYCARDIA, CATECHOLAMINERGIC POLYMORPHIC, 1, WITH OR WITHOUT ATRIAL DYSFUNCTION AND/OR DILATED CARDIOMYOPATHY; VENTRICULAR TACHYCARDIA, STRESS-INDUCED POLYMORPHIC 1; RYR2-Related Catecholaminergic Polymorphic Ventricular Tachycardia. Identifiers: Orphanet 3286, MedGen C1631597, MONDO:0011484, OMIM 604772.
Arrhythmogenic right ventricular dysplasia 2. Identifiers: MedGen C1832931.
Catecholaminergic polymorphic ventricular tachycardia (CVPT). Also called: Catecholamine-induced polymorphic ventricular tachycardia. Identifiers: Orphanet 3286, MedGen C5574922, MONDO:0017990.

Allele frequency attached by ClinVar (database versions not stated): gnomAD exomes 0.00016 and 0.00019; ExAC 0.00018; TOPMed 0.00019; gnomAD 0.00021; ESP Exome Variant Server 0.00025.
gnomAD v4.1: 309 of 1,613,924 alleles (0.019%); highest among the groups gnomAD compares: Middle Eastern, 0.066%; no homozygotes.

Submissions (13):

Labcorp Genetics (formerly Invitae), Labcorp
Classification: Likely benign for Catecholaminergic polymorphic ventricular tachycardia 1. Last evaluated: 2026-01-14. Review status: criteria provided, single submitter. Criteria: Invitae Variant Classification Sherloc (09022015). Collection method: clinical testing. Allele origin: germline.

Mayo Clinic Laboratories, Mayo Clinic
Classification: Likely benign. Last evaluated: 2025-10-04. Review status: criteria provided, single submitter. Criteria: ACMG Guidelines, 2015. Collection method: clinical testing. Allele origin: germline. Observed: 2 variant alleles.
Comment: BP4, BP7

Molecular Diagnostic Laboratory for Inherited Cardiovascular Disease, Montreal Heart Institute
Classification: Likely benign. Last evaluated: 2025-04-09. Review status: criteria provided, single submitter. Criteria: ACMG Guidelines, 2015. Collection method: clinical testing. Allele origin: germline. Affected: no.
Comment: BP7

Blueprint Genetics
Classification: Likely benign. Last evaluated: 2024-11-19. Review status: criteria provided, single submitter. Criteria: ACMG Guidelines, 2015. Collection method: clinical testing. Allele origin: germline.

All of Us Research Program, National Institutes of Health
Classification: Likely benign for Catecholaminergic polymorphic ventricular tachycardia. Last evaluated: 2024-02-05. Review status: criteria provided, single submitter. Criteria: ACMG Guidelines, 2015. Collection method: clinical testing. Allele origin: germline. Inheritance: Autosomal dominant inheritance. Observed: 55 variant alleles, 55 heterozygotes.
Comment: This study involves interpretation of variants in research participants for the purpose of population health screening. Participant phenotype was not available at the time of variant classification. Additional details can be found in publication PMID: 35346344, PMCID: PMC8962531

GeneDx
Classification: Likely benign. Last evaluated: 2020-10-08. Review status: criteria provided, single submitter. Criteria: GeneDx Variant Classification Process June 2021. Collection method: clinical testing. Allele origin: germline. Affected: yes.

Color Diagnostics, LLC DBA Color Health
Classification: Likely benign for Cardiomyopathy. Last evaluated: 2018-09-10. Review status: criteria provided, single submitter. Criteria: ACMG Guidelines, 2015. Collection method: clinical testing. Allele origin: germline.

Illumina Laboratory Services, Illumina
Classification: Likely benign for Catecholaminergic polymorphic ventricular tachycardia 1. Last evaluated: 2018-01-13. Review status: criteria provided, single submitter. Criteria: ICSL Variant Classification Criteria 13 December 2019. Collection method: clinical testing. Allele origin: germline.
Comment: This variant was observed in the ICSL laboratory as part of a predisposition screen in an ostensibly healthy population. It had not been previously curated by ICSL or reported in the Human Gene Mutation Database (HGMD: prior to June 1st, 2018), and was therefore a candidate for classification through an automated scoring system. Utilizing variant allele frequency, disease prevalence and penetrance estimates, and inheritance mode, an automated score was calculated to assess if this variant is too frequent to cause the disease. Based on the score and internal cut-off values, a variant classified as likely benign is not then subjected to further curation. The score for this variant resulted in a classification of likely benign for this disease.

Illumina Laboratory Services, Illumina
Classification: Uncertain significance for Catecholaminergic polymorphic ventricular tachycardia 1. Last evaluated: 2018-01-13. Review status: criteria provided, single submitter. Criteria: ICSL Variant Classification Criteria 13 December 2019. Collection method: clinical testing. Allele origin: germline.

Ambry Genetics
Classification: Likely benign for Cardiovascular phenotype. Last evaluated: 2016-07-13. Review status: criteria provided, single submitter. Criteria: Ambry Variant Classification Scheme 2023. Collection method: clinical testing. Allele origin: germline.

Laboratory for Molecular Medicine, Mass General Brigham Personalized Medicine
Classification: Likely benign. Last evaluated: 2012-08-20. Review status: criteria provided, single submitter. Criteria: LMM Criteria. Collection method: clinical testing. Allele origin: germline. Observed: 1 variant allele.
Comment: Ile4379Ile in exon 90 of RYR2: This variant is not expected to have clinical sig nificance because it does not alter an amino acid residue and is not located wit hin the splice consensus sequence. It has been identified in 2/6674 European Ame rican chromosomes from a broad population by the NHLBI Exome Sequencing Project. Ile4379Ile in exon 90 of RYR2 (allele frequ ency = 2/6674) **

Diagnostic Laboratory, Department of Genetics, University Medical Center Groningen
Classification: Likely benign. Review status: no assertion criteria provided. Collection method: clinical testing. Allele origin: germline. Affected: yes. Study: VKGL Data-share Consensus. Not counted in ClinVar's aggregate classification.

Joint Genome Diagnostic Labs from Nijmegen and Maastricht, Radboudumc and MUMC+
Classification: Likely benign. Review status: no assertion criteria provided. Collection method: clinical testing. Allele origin: germline. Affected: yes. Study: VKGL Data-share Consensus. Not counted in ClinVar's aggregate classification.